The following is an entry in ClinVar:

NM_001377265.1(MAPT):c.1375G>A (p.Asp459Asn)

Gene: MAPT (microtubule associated protein tau). Cytogenetic location: 17q21.31.
Variant type: single nucleotide variant.
Coding change: c.1375G>A on transcript NM_001377265.1 (MANE Select); coding-DNA position 1375, G replaced by A.
Protein change: p.Asp459Asn; replaces aspartic acid 459 with asparagine.
Molecular consequence: missense variant. On other transcripts: non-coding transcript variant (1).
Genome position (GRCh38, 1-based): chr17:45,987,063, G>A. VCF-style: chr17-45987063-G-A. GRCh37 (hg19) VCF-style: chr17-44064429-G-A.
Other names: c.1150G>A, p.Asp384Asn (NM_001123066.4, NM_016835.5); c.310G>A, p.Asp104Asn (NM_001123067.4, NM_001203251.2, NM_001377267.1); c.397G>A, p.Asp133Asn (NM_001203252.2, NM_005910.6); c.1375G>A, p.Asp459Asn (NM_001377266.1); c.223G>A, p.Asp75Asn (NM_001377268.1, NM_016834.5, NM_016841.5); short protein forms D459N, D133N, D104N, D75N, D384N.
Identifiers: ClinVar variation 1997212 (VCV001997212.4), dbSNP rs2509852110, ClinGen allele CA399977029.

ClinVar aggregate classification (germline): Uncertain significance (1 of 4 stars; one submission).

Conditions:
Frontotemporal dementia (FTD1). Also called: Frontotemporal lobe dementia (FLDEM); MULTIPLE SYSTEM TAUOPATHY WITH PRESENILE DEMENTIA; Frontotemporal Dementia with Parkinsonism-17 (FTDP-17); WILHELMSEN-LYNCH DISEASE; FRONTOTEMPORAL DEMENTIA WITH PARKINSONISM; FRONTOTEMPORAL LOBE DEMENTIA. Identifiers: Orphanet 282, MedGen C0338451, MONDO:0017276, OMIM 600274, HP:0002145.

Submission:

Labcorp Genetics (formerly Invitae), Labcorp
Classification: Uncertain significance for Frontotemporal dementia. Last evaluated: 2022-06-17. Review status: criteria provided, single submitter. Criteria: Invitae Variant Classification Sherloc (09022015). Collection method: clinical testing. Allele origin: germline.
Comment: In summary, the available evidence is currently insufficient to determine the role of this variant in disease. Therefore, it has been classified as a Variant of Uncertain Significance. Algorithms developed to predict the effect of missense changes on protein structure and function are either unavailable or do not agree on the potential impact of this missense change (SIFT: "Deleterious"; PolyPhen-2: "Possibly Damaging"; Align-GVGD: "Class C0"). This variant has not been reported in the literature in individuals affected with MAPT-related conditions. This variant is not present in population databases (gnomAD no frequency). This sequence change replaces aspartic acid, which is acidic and polar, with asparagine, which is neutral and polar, at codon 133 of the MAPT protein (p.Asp133Asn).